The following is an entry in ClinVar:

NM_194279.4(ISCA2):c.175-10T>G

Gene: ISCA2 (iron-sulfur cluster assembly 2; plus strand). Cytogenetic location: 14q24.3.
Variant type: single nucleotide variant.
Coding change: c.175-10T>G on transcript NM_194279.4 (MANE Select); 10 bases into the intron before coding-DNA position 175, T replaced by G.
Molecular consequence: intron variant.
Genome position (GRCh38, 1-based): chr14:74,494,265, T>G. VCF-style: chr14-74494265-T-G. GRCh37 (hg19) VCF-style: chr14-74960968-T-G.
Other names: c.174+113T>G (NM_001272007.2).
Identifiers: ClinVar variation 1933474 (VCV001933474.4), dbSNP rs750031770, ClinGen allele CA7268300.

ClinVar aggregate classification (germline): Uncertain significance (1 of 4 stars; one submission).

Allele frequency attached by ClinVar (database versions not stated): ExAC 0.00001; gnomAD exomes 0.00001; TOPMed 0.00001; gnomAD 0.00002.
gnomAD v4.1: 13 of 1,610,906 alleles (0.00081%); highest among the groups gnomAD compares: Admixed American, 0.0083%; no homozygotes.

Submission:

Labcorp Genetics (formerly Invitae), Labcorp
Classification: Uncertain significance. Last evaluated: 2024-10-29. Review status: criteria provided, single submitter. Criteria: Invitae Variant Classification Sherloc (09022015). Collection method: clinical testing. Allele origin: germline.
Comment: This sequence change falls in intron 2 of the ISCA2 gene. It does not directly change the encoded amino acid sequence of the ISCA2 protein. This variant is present in population databases (rs750031770, gnomAD 0.003%). This variant has not been reported in the literature in individuals affected with ISCA2-related conditions. ClinVar contains an entry for this variant (Variation ID: 1933474). Algorithms developed to predict the effect of sequence changes on RNA splicing suggest that this variant may disrupt the consensus splice site. In summary, the available evidence is currently insufficient to determine the role of this variant in disease. Therefore, it has been classified as a Variant of Uncertain Significance.